The following is an entry in ClinVar:

NM_014712.3(SETD1A):c.1047G>T (p.Ser349=)

Gene: SETD1A (SET domain containing 1A, histone lysine methyltransferase; plus strand). Cytogenetic location: 16p11.2.
Variant type: single nucleotide variant.
Coding change: c.1047G>T on transcript NM_014712.3 (MANE Select); coding-DNA position 1047, G replaced by T.
Protein change: p.Ser349=; no amino-acid change (serine 349 retained).
Molecular consequence: synonymous variant.
Genome position (GRCh38, 1-based): chr16:30,964,789, G>T. VCF-style: chr16-30964789-G-T. GRCh37 (hg19) VCF-style: chr16-30976110-G-T.
Identifiers: ClinVar variation 3042285 (VCV003042285.2), dbSNP rs369238104, ClinGen allele CA8016590.

ClinVar aggregate classification (germline): Likely benign (0 of 4 stars; one submission).

Conditions:
SETD1A-related disorder. Also called: SETD1A-related condition.

gnomAD v4.1: 81 of 1,613,800 alleles (0.005%); highest among the groups gnomAD compares: Non-Finnish European, 0.0067%; no homozygotes.

Submission:

PreventionGenetics, part of Exact Sciences
Classification: Likely benign for SETD1A-related condition. Last evaluated: 2019-05-09. Review status: no assertion criteria provided. Collection method: clinical testing. Allele origin: germline.
Comment: This variant is classified as likely benign based on ACMG/AMP sequence variant interpretation guidelines (Richards et al. 2015 PMID: 25741868, with internal and published modifications).